The following is an entry in ClinVar:

NM_001040142.2(SCN2A):c.4687C>G (p.Leu1563Val)

Gene: SCN2A (sodium voltage-gated channel alpha subunit 2; plus strand). Cytogenetic location: 2q24.3.
Variant type: single nucleotide variant.
Coding change: c.4687C>G on transcript NM_001040142.2 (MANE Select); coding-DNA position 4687, C replaced by G.
Protein change: p.Leu1563Val; replaces leucine 1563 with valine.
Molecular consequence: missense variant.
Genome position (GRCh38, 1-based): chr2:165,386,881, C>G. VCF-style: chr2-165386881-C-G. GRCh37 (hg19) VCF-style: chr2-166243391-C-G.
Other names: c.4687C>G, p.Leu1563Val (NM_001040143.2, NM_001371246.1, NM_001371247.1 and 1 more transcripts); short protein forms L1563V.
Identifiers: ClinVar variation 12877 (VCV000012877.12), dbSNP rs121917750, ClinGen allele CA122769.

ClinVar aggregate classification (germline): Pathogenic. Review status: criteria provided, multiple submitters, no conflicts (2 of 4 stars). 3 submissions from 3 submitters: Pathogenic (2). 1 of the submissions does not count toward it. Last evaluated 2025-01-24.

Conditions:
Developmental and epileptic encephalopathy, 11 (DEE11). Also called: Early infantile epileptic encephalopathy 11. Identifiers: Orphanet 1934, MedGen C3150987, MONDO:0013388, OMIM 613721.
Seizures, benign familial infantile, 3 (BFIS3). Also called: CONVULSIONS, BENIGN FAMILIAL INFANTILE, 3; Familial neonatal seizures. Identifiers: Orphanet 140927, Orphanet 306, MedGen C1843140, MONDO:0011904, OMIM 607745.

Submissions (4):

GeneDx
Classification: Pathogenic. Last evaluated: 2025-01-24. Review status: criteria provided, single submitter. Criteria: GeneDx Variant Classification Process June 2021. Collection method: clinical testing. Allele origin: germline. Affected: yes.
Comment: Published functional studies demonstrate that L1563V causes a gain of channel function and increases neuronal excitability in neonatal sodium channels (PMID: 18479388, 17467289); In silico analysis supports that this missense variant has a deleterious effect on protein structure/function; This substitution is predicted to be within the transmembrane segment S2 of the fourth homologous domain; Not observed at significant frequency in large population cohorts (gnomAD); This variant is associated with the following publications: (PMID: 15301839, 18537643, 22029951, 3508699, 17467289, 17021166, 28256214, 28717674, 32090326, 32291436, 34425903, 29691040, 35637276, 32845893, 31904120, 33769100, 29844171, 31995133, 30813884, 12243921, 18479388)

Labcorp Genetics (formerly Invitae), Labcorp
Classification: Pathogenic for Seizures, benign familial infantile, 3; Developmental and epileptic encephalopathy, 11. Last evaluated: 2022-04-13. Review status: criteria provided, single submitter. Criteria: Invitae Variant Classification Sherloc (09022015). Collection method: clinical testing. Allele origin: germline.
Comment: Algorithms developed to predict the effect of missense changes on protein structure and function are either unavailable or do not agree on the potential impact of this missense change (SIFT: "Deleterious"; PolyPhen-2: "Probably Damaging"; Align-GVGD: "Class C0"). For these reasons, this variant has been classified as Pathogenic. Experimental studies have shown that this missense change affects SCN2A function (PMID: 17021166, 17467289, 18479388). ClinVar contains an entry for this variant (Variation ID: 12877). This missense change has been observed in individual(s) with benign familial neonatal-infantile seizures (PMID: 12243921). It has also been observed to segregate with disease in related individuals. This variant is not present in population databases (gnomAD no frequency). This sequence change replaces leucine, which is neutral and non-polar, with valine, which is neutral and non-polar, at codon 1563 of the SCN2A protein (p.Leu1563Val).

OMIM
Classification: Pathogenic for SEIZURES, BENIGN FAMILIAL INFANTILE, 3. Last evaluated: 2002-09-14. Review status: no assertion criteria provided. Collection method: literature only. Allele origin: germline. Not counted in ClinVar's aggregate classification.

Channelopathy-Associated Epilepsy Research Center
No classification provided (evidence only). Condition: Complex neurodevelopmental disorder. Review status: no classification provided. Collection method: literature only. Allele origin: not applicable. Functional consequence: Increase in slope of activation, Increase in slope of fast inactivation, Increase of decay in current amplitude in use dependence, Moderate hyperpolarizing shift of voltage dependence of activation, Normal peak current, Normal persistent current, Severe slowing of recovery from fast inactivation, Severe hyperpolarizing shift of voltage dependence of fast inactivation, Hyperpolarizing shift of voltage dependence of slow inactivation, Overall loss-of-function. Not counted in ClinVar's aggregate classification.
ClinVar note: "not provided" was previously submitted as the classification for the variant. However, the classification appeared to be based only on an observation of functional data so it was converted to no classification on 2025-07-30.

Literature cited by the submitters: PubMed 17021166 (cited by Labcorp Genetics (formerly Invitae), Labcorp); PubMed 17467289 (cited by Labcorp Genetics (formerly Invitae), Labcorp); PubMed 18479388 (cited by Labcorp Genetics (formerly Invitae), Labcorp); PubMed 12243921 (cited by Labcorp Genetics (formerly Invitae), Labcorp and OMIM); PubMed 3508699 (cited by OMIM); PubMed 18379388 (cited by Channelopathy-Associated Epilepsy Research Center).